The following is an entry in ClinVar:

ClinVar aggregate classification (germline): Uncertain significance. Review status: criteria provided, multiple submitters, no conflicts (2 of 4 stars). 2 submissions from 2 submitters: Uncertain significance (2). Last evaluated 2025-11-19.

Conditions:
Charcot-Marie-Tooth disease recessive intermediate C. Also called: CHARCOT-MARIE-TOOTH NEUROPATHY, RECESSIVE INTERMEDIATE C. Identifiers: Orphanet 369867, MedGen C3809309, MONDO:0014154, OMIM 615376.
Neuronopathy, distal hereditary motor, autosomal recessive 4. Also called: Autosomal recessive lower motor neuron disease with childhood onset; NEUROPATHY, DISTAL HEREDITARY MOTOR, AUTOSOMAL RECESSIVE 4. Identifiers: Orphanet 206580, MedGen C1970211, MONDO:0012608, OMIM 611067.
Inborn genetic diseases. Identifiers: MedGen C0950123, MeSH D030342.

Submissions (2):

Ambry Genetics
Classification: Uncertain significance for Inborn genetic diseases. Last evaluated: 2025-11-19. Review status: criteria provided, single submitter. Criteria: Ambry Variant Classification Scheme 2023. Collection method: clinical testing. Allele origin: germline.

Labcorp Genetics (formerly Invitae), Labcorp
Classification: Uncertain significance for Neuronopathy, distal hereditary motor, autosomal recessive 4; Charcot-Marie-Tooth disease recessive intermediate C. Last evaluated: 2022-02-08. Review status: criteria provided, single submitter. Criteria: Invitae Variant Classification Sherloc (09022015). Collection method: clinical testing. Allele origin: germline.
Comment: In summary, the available evidence is currently insufficient to determine the role of this variant in disease. Therefore, it has been classified as a Variant of Uncertain Significance. Algorithms developed to predict the effect of missense changes on protein structure and function are either unavailable or do not agree on the potential impact of this missense change (SIFT: "Tolerated"; PolyPhen-2: "Probably Damaging"; Align-GVGD: "Class C0"). This variant has not been reported in the literature in individuals affected with PLEKHG5-related conditions. This variant is not present in population databases (gnomAD no frequency). This sequence change replaces alanine, which is neutral and non-polar, with valine, which is neutral and non-polar, at codon 1003 of the PLEKHG5 protein (p.Ala1003Val).

NM_020631.6(PLEKHG5):c.3008C>T (p.Ala1003Val)

Gene: PLEKHG5 (pleckstrin homology and RhoGEF domain containing G5; minus strand). Cytogenetic location: 1p36.31.
Variant type: single nucleotide variant.
Coding change: c.3008C>T on transcript NM_020631.6 (MANE Select); coding-DNA position 3008, C replaced by T.
Protein change: p.Ala1003Val; replaces alanine 1003 with valine.
Molecular consequence: missense variant.
Genome position (GRCh38, 1-based): chr1:6,467,828, G>A on the plus strand (C>T on the coding strand, the complement: PLEKHG5 is on the minus strand). VCF-style: chr1-6467828-G-A. GRCh37 (hg19) VCF-style: chr1-6527888-G-A.
Other names: c.3119C>T, p.Ala1040Val (NM_001042663.3, NM_001265592.2); c.3008C>T, p.Ala1003Val (NM_001042664.2, NM_001042665.2, NM_198681.4); c.3215C>T, p.Ala1072Val (NM_001265593.2); c.*15C>T (NM_001265594.3); short protein forms A1003V, A1040V, A1072V.
Identifiers: ClinVar variation 2095118 (VCV002095118.5), dbSNP rs2523101214, ClinGen allele CA338113275.
Genomic context (GRCh38, chr1:6,467,828, plus strand): 5'-TGGGCCCCCATGCCAGTGCCCTGAGCCACCTGCCCTACCCCAGTCCAGGCCACTCACGAG[G>A]CAGTGAGCGTGGAGTTAAGCAGCAGGGTGGTCCTGATTCGGTAGAGCTGGGCCAGGGTCA-3'
Protein context (NP_065682.2, residues 993-1006): TTLLLNSTLT[Ala1003Val]SEV